The following is an entry in ClinVar:

ClinVar aggregate classification (germline): Pathogenic/Likely pathogenic. Review status: criteria provided, multiple submitters, no conflicts (2 of 4 stars). 2 submissions from 2 submitters: Pathogenic (1); Likely pathogenic (1). Last evaluated 2022-03-27.

Conditions:
Collagen 6-related myopathy. Identifiers: MedGen CN117976, MONDO:0100225.
Bethlem myopathy 1A. Also called: Bethlem Muscular Dystrophy; MYOPATHY, BENIGN CONGENITAL, WITH CONTRACTURES; Bethlem myopathy 1. Identifiers: Orphanet 610, MedGen CN029274, MONDO:0024530, OMIM 158810.

gnomAD v4.1: 1 of 1,605,860 alleles (0.000062%); highest among the groups gnomAD compares: Non-Finnish European, 0.000085%; no homozygotes.

Submissions (2):

Department of Pathology and Laboratory Medicine, Sinai Health System
Classification: Likely pathogenic for collagen 6-related myopathy. Last evaluated: 2022-03-27. Review status: criteria provided, single submitter. Criteria: ACMG Guidelines, 2015. Collection method: research. Allele origin: germline.

Labcorp Genetics (formerly Invitae), Labcorp
Classification: Pathogenic for Bethlem myopathy 1A. Last evaluated: 2022-02-08. Review status: criteria provided, single submitter. Criteria: Invitae Variant Classification Sherloc (09022015). Collection method: clinical testing. Allele origin: germline.
Comment: This variant is not present in population databases (gnomAD no frequency). This sequence change creates a premature translational stop signal (p.Gln858*) in the COL6A2 gene. While this is not anticipated to result in nonsense mediated decay, it is expected to disrupt the last 162 amino acid(s) of the COL6A2 protein. This premature translational stop signal has been observed in individual(s) with clinical features of autosomal recessive COL6A2-related conditions (PMID: 25380242; Invitae). ClinVar contains an entry for this variant (Variation ID: 476471). Algorithms developed to predict the effect of sequence changes on RNA splicing suggest that this variant may create or strengthen a splice site. This variant disrupts a region of the COL6A2 protein in which other variant(s) (p.Tyr1002*) have been determined to be pathogenic (PMID: 29419890). This suggests that this is a clinically significant region of the protein, and that variants that disrupt it are likely to be disease-causing. For these reasons, this variant has been classified as Pathogenic.

Literature cited by the submitters: PubMed 25380242 (cited by Labcorp Genetics (formerly Invitae), Labcorp); PubMed 29419890 (cited by Labcorp Genetics (formerly Invitae), Labcorp).

NM_001849.4(COL6A2):c.2572C>T (p.Gln858Ter)

Gene: COL6A2 (collagen type VI alpha 2 chain; plus strand). Cytogenetic location: 21q22.3.
Variant type: single nucleotide variant.
Coding change: c.2572C>T on transcript NM_001849.4 (MANE Select); coding-DNA position 2572, C replaced by T.
Protein change: p.Gln858Ter; replaces glutamine 858 with a stop codon.
Molecular consequence: nonsense.
Genome position (GRCh38, 1-based): chr21:46,132,064, C>T. VCF-style: chr21-46132064-C-T. GRCh37 (hg19) VCF-style: chr21-47551978-C-T.
Other names: short protein forms Q858*.
Identifiers: ClinVar variation 476471 (VCV000476471.9), dbSNP rs1555877252, ClinGen allele CA410548425.